The following is an entry in ClinVar:

ClinVar aggregate classification (germline): Uncertain significance. Review status: criteria provided, multiple submitters, no conflicts (2 of 4 stars). 2 submissions from 2 submitters: Uncertain significance (2). Last evaluated 2024-12-10.

Allele frequency attached by ClinVar (database versions not stated): TOPMed below 0.00001.

Submissions (2):

Ambry Genetics
Classification: Uncertain significance. Last evaluated: 2024-12-10. Review status: criteria provided, single submitter. Criteria: Ambry Variant Classification Scheme 2023. Collection method: clinical testing. Allele origin: germline.
Comment: The p.L515R variant (also known as c.1544T>G), located in coding exon 12 of the RECQL gene, results from a T to G substitution at nucleotide position 1544. The leucine at codon 515 is replaced by arginine, an amino acid with dissimilar properties. This amino acid position is conserved. In addition, the in silico prediction for this alteration is inconclusive. Based on the available evidence, the clinical significance of this variant remains unclear.

Labcorp Genetics (formerly Invitae), Labcorp
Classification: Uncertain significance. Last evaluated: 2024-02-15. Review status: criteria provided, single submitter. Criteria: Invitae Variant Classification Sherloc (09022015). Collection method: clinical testing. Allele origin: germline.
Comment: This sequence change replaces leucine, which is neutral and non-polar, with arginine, which is basic and polar, at codon 515 of the RECQL protein (p.Leu515Arg). This variant is not present in population databases (gnomAD no frequency). This variant has not been reported in the literature in individuals affected with RECQL-related conditions. ClinVar contains an entry for this variant (Variation ID: 1993537). Advanced modeling of protein sequence and biophysical properties (such as structural, functional, and spatial information, amino acid conservation, physicochemical variation, residue mobility, and thermodynamic stability) performed at Invitae indicates that this missense variant is expected to disrupt RECQL protein function with a positive predictive value of 80%. In summary, the available evidence is currently insufficient to determine the role of this variant in disease. Therefore, it has been classified as a Variant of Uncertain Significance.

NM_002907.4(RECQL):c.1544T>G (p.Leu515Arg)

Gene: RECQL (RecQ like helicase; minus strand). Cytogenetic location: 12p12.1.
Variant type: single nucleotide variant.
Coding change: c.1544T>G on transcript NM_002907.4 (MANE Select); coding-DNA position 1544, T replaced by G.
Protein change: p.Leu515Arg; replaces leucine 515 with arginine.
Molecular consequence: missense variant.
Genome position (GRCh38, 1-based): chr12:21,471,551, A>C on the plus strand (T>G on the coding strand, the complement: RECQL is on the minus strand). VCF-style: chr12-21471551-A-C. GRCh37 (hg19) VCF-style: chr12-21624485-A-C.
Other names: c.1544T>G, p.Leu515Arg (NM_032941.3); c.1544T>G (NM_002907.3); short protein forms L515R.
Identifiers: ClinVar variation 1993537 (VCV001993537.5), dbSNP rs1942965356, ClinGen allele CA384116184.